The following is an entry in ClinVar:

ClinVar aggregate classification (germline): Uncertain significance. Review status: criteria provided, multiple submitters, no conflicts (2 of 4 stars). 4 submissions from 4 submitters: Uncertain significance (3). 1 of the submissions does not count toward it. Last evaluated 2025-11-25.

Conditions:
Familial long QT syndrome (RWS). Also called: Congenital long QT syndrome; Romano-Ward syndrome; VENTRICULAR FIBRILLATION WITH PROLONGED QT INTERVAL. Identifiers: Orphanet 768, MedGen C1141890, MONDO:0019171.
Long QT syndrome (LQTS). Identifiers: MedGen C0023976, MeSH D008133, MONDO:0002442. Disease mechanism: loss of function. Inheritance: Various modes of inheritance.
Long QT syndrome 2 (LQT2). Identifiers: Orphanet 101016, Orphanet 768, MedGen C3150943, MONDO:0013367, OMIM 613688.
Long QT syndrome 1 (LQT1). Identifiers: Orphanet 101016, Orphanet 768, MedGen C4551647, MONDO:0100316, OMIM 192500, MONDO:0008646.

gnomAD v4.1: 3 of 1,606,534 alleles (0.00019%); highest among the groups gnomAD compares: Non-Finnish European, 0.00017%; no homozygotes.

Submissions (4):

Labcorp Genetics (formerly Invitae), Labcorp
Classification: Uncertain significance for Long QT syndrome. Last evaluated: 2025-11-25. Review status: criteria provided, single submitter. Criteria: Invitae Variant Classification Sherloc (09022015). Collection method: clinical testing. Allele origin: germline.
Comment: This sequence change replaces glutamine, which is neutral and polar, with histidine, which is basic and polar, at codon 81 of the KCNH2 protein (p.Gln81His). This variant is not present in population databases (gnomAD no frequency). This missense change has been observed in individual(s) with sudden death after a history of febrile convulsions (PMID: 20167303). ClinVar contains an entry for this variant (Variation ID: 67399). An algorithm developed to predict the effect of missense changes on protein structure and function (PolyPhen-2) suggests that this variant is likely to be disruptive. Experimental studies have shown that this missense change affects KCNH2 function (PMID: 35688148). In summary, the available evidence is currently insufficient to determine the role of this variant in disease. Therefore, it has been classified as a Variant of Uncertain Significance.

Victorian Clinical Genetics Services, Murdoch Childrens Research Institute
Classification: Uncertain significance for Long QT syndrome 2. Last evaluated: 2022-09-02. Review status: criteria provided, single submitter. Criteria: ACMG Guidelines, 2015. Collection method: clinical testing. Allele origin: germline. Inheritance: Autosomal dominant inheritance. Affected: yes.
Comment: Based on the classification scheme VCGS_Germline_v1.3.4, this variant is classified as VUS-3A. Following criteria are met: 0103 - Dominant negative and loss of function are known mechanisms of disease in this gene and are associated with long QT syndrome 2 (MIM#613688). Gain of function is also a known mechanism associated with short QT syndrome 1 (MIM#609620) (OMIM, PMIDs: 10753933, 21777565). (I) 0107 - This gene is associated with autosomal dominant disease. (I) 0112 - The condition associated with this gene has incomplete penetrance (PMID: 20301308). (I) 0200 - Variant is predicted to result in a missense amino acid change from glutamine to histidine. (I) 0251 - This variant is heterozygous. (I) 0301 - Variant is absent from gnomAD (both v2 and v3). (SP) 0309 - An alternative amino acid change at the same position has been observed in gnomAD (v2: 1 heterozygote, 0 homozygotes). (I) 0501 - Missense variant consistently predicted to be damaging by multiple in silico tools or highly conserved with a major amino acid change. (SP) 0600 - Variant is located in the annotated PAS 9 domain (DECIPHER). (I) 0704 - Other missense variants comparable to the one identified in this case have limited previous evidence for pathogenicity. p.(Gln81Pro) and p.(Gln81Arg) have been reported in individuals with a diagnosis of LQTS and suspected LQTS, respectively (PMIDs: 34546463, 27041096). In addition, p.(Gln81Lys) has been reported as a VUS in an individual with epilepsy (PMID: 31696929). (SP) 0803 - This variant has limited previous evidence of pathogenicity in unrelated individuals. It has been reported as a VUS by two clinical testing laboratories, including in an individual with LQTS, three individuals with possible LQTS and one unaffected individual (ClinVar, personal communication). (SP) 0905 - No published segregation evidence has been identified for this variant. (I) 1007 - No published functional evidence has been identified for this variant. (I) 1208 - Inheritance information for this variant is not currently available in this individual. (I) Legend: (SP) - Supporting pathogenic, (I) - Information, (SB) - Supporting benign

Royal Brompton Clinical Genetics And Genomics Laboratory, NHS South East Genomic Laboratory Hub
Classification: Uncertain significance for Long QT syndrome, LQT1 subtype. Last evaluated: 2017-09-08. Review status: criteria provided, single submitter. Criteria: RBHT-CGGL ClinVar Assertion Criteria. Collection method: clinical testing. Allele origin: germline. Affected: yes. Observed: 1 variant allele.
Comment: The variant is located in the N-terminus region, which is a hotspot for mutations. The affecte amino acid is highly conserved, how in silico tools offer conflicting evidence as to the damaging effect on protein function

Cardiovascular Biomedical Research Unit, Royal Brompton & Harefield NHS Foundation Trust
No classification provided. Condition: Familial long QT syndrome. Review status: no classification provided. Collection method: literature only. Allele origin: germline. Not counted in ClinVar's aggregate classification.
Comment: This variant has been reported as associated with Long QT syndrome in the following publications (PMID:20167303). This is a literature report, and does not necessarily reflect the clinical interpretation of the Imperial College / Royal Brompton Cardiovascular Genetics laboratory.

Literature cited by the submitters: PubMed 20167303 (cited by 3 submitters); PubMed 35688148 (cited by Labcorp Genetics (formerly Invitae), Labcorp); PubMed 10753933 (cited by Victorian Clinical Genetics Services, Murdoch Childrens Research Institute); PubMed 20301308 (cited by Victorian Clinical Genetics Services, Murdoch Childrens Research Institute); PubMed 21777565 (cited by Victorian Clinical Genetics Services, Murdoch Childrens Research Institute); PubMed 27041096 (cited by Victorian Clinical Genetics Services, Murdoch Childrens Research Institute); PubMed 31696929 (cited by Victorian Clinical Genetics Services, Murdoch Childrens Research Institute); PubMed 34546463 (cited by Victorian Clinical Genetics Services, Murdoch Childrens Research Institute); PubMed 22581653 (cited by Cardiovascular Biomedical Research Unit, Royal Brompton & Harefield NHS Foundation Trust).

NM_000238.4(KCNH2):c.243G>C (p.Gln81His)

Gene: KCNH2 (potassium voltage-gated channel subfamily H member 2; minus strand). Cytogenetic location: 7q36.1.
Variant type: single nucleotide variant.
Coding change: c.243G>C on transcript NM_000238.4 (MANE Select); coding-DNA position 243, G replaced by C.
Protein change: p.Gln81His; replaces glutamine 81 with histidine.
Molecular consequence: missense variant.
Genome position (GRCh38, 1-based): chr7:150,974,775, C>G on the plus strand (G>C on the coding strand, the complement: KCNH2 is on the minus strand). VCF-style: chr7-150974775-C-G. GRCh37 (hg19) VCF-style: chr7-150671863-C-G.
Other names: c.243G>C (LRG_288t1); c.66G>C, p.Gln22His (NM_001406755.1); c.243G>C, p.Gln81His (NM_172056.3); short protein forms Q81H, Q22H.
Identifiers: ClinVar variation 67399 (VCV000067399.10), dbSNP rs199472849, ClinGen allele CA006746.